The following is an entry in ClinVar:

NM_005751.5(AKAP9):c.10426A>C (p.Arg3476=)

Gene: AKAP9 (A-kinase anchoring protein 9; plus strand). Cytogenetic location: 7q21.2.
Variant type: single nucleotide variant.
Coding change: c.10426A>C on transcript NM_005751.5 (MANE Select); coding-DNA position 10426, A replaced by C.
Protein change: p.Arg3476=; no amino-acid change (arginine 3476 retained).
Molecular consequence: synonymous variant.
Genome position (GRCh38, 1-based): chr7:92,097,613, A>C. VCF-style: chr7-92097613-A-C. GRCh37 (hg19) VCF-style: chr7-91726927-A-C.
Other names: p.R3476R:AGA>CGA; c.5071A>C, p.Arg1691= (NM_001379277.1); c.10402A>C, p.Arg3468= (NM_147185.3).
Identifiers: ClinVar variation 136344 (VCV000136344.27), dbSNP rs1063243, ClinGen allele CA289367.

ClinVar aggregate classification (germline): Benign/Likely benign. Review status: criteria provided, multiple submitters, no conflicts (2 of 4 stars). 10 submissions from 10 submitters: Benign (7); Likely benign (1). 2 of the submissions do not count toward it. Last evaluated 2026-02-04.

Conditions:
Cardiovascular phenotype. Identifiers: MedGen CN230736.
Long QT syndrome (LQTS). Identifiers: MedGen C0023976, MeSH D008133, MONDO:0002442. Disease mechanism: loss of function. Inheritance: Various modes of inheritance.
Long QT syndrome 11 (LQT11). Identifiers: Orphanet 101016, Orphanet 768, MedGen C2678483, MONDO:0012738, OMIM 611820.

Allele frequency attached by ClinVar (database versions not stated): 1000 Genomes Project 0.37740; gnomAD exomes 0.37966 and 0.38702; 1000 Genomes Project 30x 0.38054; ExAC 0.38459; gnomAD 0.41934 and 0.42386; TOPMed 0.42152; ESP Exome Variant Server 0.44626.
gnomAD v4.1: 629,501 of 1,613,192 alleles (39%); highest among the groups gnomAD compares: African/African-American, 53%; 125,396 homozygotes.

Submissions (10):

Labcorp Genetics (formerly Invitae), Labcorp
Classification: Benign for Long QT syndrome. Last evaluated: 2026-02-04. Review status: criteria provided, single submitter. Criteria: Invitae Variant Classification Sherloc (09022015). Collection method: clinical testing. Allele origin: germline.

Blueprint Genetics
Classification: Benign. Last evaluated: 2024-11-27. Review status: criteria provided, single submitter. Criteria: ACMG Guidelines, 2015. Collection method: clinical testing. Allele origin: germline.

Genome-Nilou Lab
Classification: Benign for Long QT syndrome 11. Last evaluated: 2021-12-05. Review status: criteria provided, single submitter. Criteria: ACMG Guidelines, 2015. Collection method: clinical testing. Allele origin: germline. Affected: no.

Women's Health and Genetics/Laboratory Corporation of America, LabCorp
Classification: Benign. Last evaluated: 2019-08-09. Review status: criteria provided, single submitter. Criteria: LabCorp Variant Classification Summary - May 2015. Collection method: clinical testing. Allele origin: germline.

Ambry Genetics
Classification: Benign for Cardiovascular phenotype. Last evaluated: 2015-06-18. Review status: criteria provided, single submitter. Criteria: Ambry Variant Classification Scheme 2023. Collection method: clinical testing. Allele origin: germline.

GeneDx
Classification: Benign. Last evaluated: 2011-07-10. Review status: criteria provided, single submitter. Criteria: GeneDx Variant Classification (06012015). Collection method: clinical testing. Allele origin: germline. Affected: yes.
Comment: This variant is considered likely benign or benign based on one or more of the following criteria: it is a conservative change, it occurs at a poorly conserved position in the protein, it is predicted to be benign by multiple in silico algorithms, and/or has population frequency not consistent with disease.

Breakthrough Genomics
Classification: Likely benign. Review status: criteria provided, single submitter. Criteria: ACMG Guidelines, 2015. Collection method: not provided. Allele origin: germline. Inheritance: Autosomal dominant inheritance. Affected: yes.

PreventionGenetics, part of Exact Sciences
Classification: Benign. Review status: criteria provided, single submitter. Criteria: ACMG Guidelines, 2015. Collection method: clinical testing. Allele origin: germline.

Clinical Genetics, Academic Medical Center
Classification: Benign. Review status: no assertion criteria provided. Collection method: clinical testing. Allele origin: germline. Affected: yes. Study: VKGL Data-share Consensus. Not counted in ClinVar's aggregate classification.

Diagnostic Laboratory, Department of Genetics, University Medical Center Groningen
Classification: Benign for Long QT syndrome 11. Review status: no assertion criteria provided. Collection method: clinical testing. Allele origin: germline. Affected: yes. Study: VKGL Data-share Consensus. Not counted in ClinVar's aggregate classification.